The following is an entry in ClinVar:

ClinVar aggregate classification (germline): Uncertain significance. Review status: criteria provided, multiple submitters, no conflicts (2 of 4 stars). 3 submissions from 3 submitters: Uncertain significance (2). 1 of the submissions does not count toward it. Last evaluated 2025-07-09.

Conditions:
Cardiovascular phenotype. Identifiers: MedGen CN230736.
Walker-Warburg congenital muscular dystrophy. Also called: Muscular dystrophy-dystroglycanopathy, type A; Walker-Warburg syndrome. Identifiers: Orphanet 899, MedGen C0265221, MONDO:0000171.
Autosomal recessive limb-girdle muscular dystrophy type 2I. Also called: MUSCULAR DYSTROPHY-DYSTROGLYCANOPATHY (LIMB-GIRDLE), TYPE C, 5; MUSCULAR DYSTROPHY-DYSTROGLYCANOPATHY, LIMB-GIRDLE, FRKP-RELATED; MUSCULAR DYSTROPHY, LIMB-GIRDLE, TYPE 2I. Identifiers: Orphanet 34515, MedGen C1846672, MONDO:0011787, OMIM 607155.

Submissions (3):

Ambry Genetics
Classification: Uncertain significance for Cardiovascular phenotype. Last evaluated: 2025-07-09. Review status: criteria provided, single submitter. Criteria: Ambry Variant Classification Scheme 2023. Collection method: clinical testing. Allele origin: germline.
Comment: The p.G132R variant (also known as c.394G>C), located in coding exon 1 of the FKRP gene, results from a G to C substitution at nucleotide position 394. The glycine at codon 132 is replaced by arginine, an amino acid with dissimilar properties. This amino acid position is conserved. In addition, the in silico prediction for this alteration is inconclusive. Since supporting evidence is limited at this time, the clinical significance of this alteration remains unclear.

Labcorp Genetics (formerly Invitae), Labcorp
Classification: Uncertain significance for Walker-Warburg congenital muscular dystrophy. Last evaluated: 2022-08-09. Review status: criteria provided, single submitter. Criteria: Invitae Variant Classification Sherloc (09022015). Collection method: clinical testing. Allele origin: germline.
Comment: This sequence change replaces glycine, which is neutral and non-polar, with arginine, which is basic and polar, at codon 132 of the FKRP protein (p.Gly132Arg). This variant is not present in population databases (gnomAD no frequency). This variant has not been reported in the literature in individuals affected with FKRP-related conditions. ClinVar contains an entry for this variant (Variation ID: 968453). Algorithms developed to predict the effect of missense changes on protein structure and function are either unavailable or do not agree on the potential impact of this missense change (SIFT: "Deleterious"; PolyPhen-2: "Probably Damaging"; Align-GVGD: "Class C15"). In summary, the available evidence is currently insufficient to determine the role of this variant in disease. Therefore, it has been classified as a Variant of Uncertain Significance.

Natera, Inc.
Classification: Uncertain significance for Limb-girdle muscular dystrophy type 2I. Last evaluated: 2020-01-17. Review status: no assertion criteria provided. Collection method: clinical testing. Allele origin: germline. Not counted in ClinVar's aggregate classification.

NM_024301.5(FKRP):c.394G>C (p.Gly132Arg)

Gene: FKRP (fukutin related protein; plus strand). Cytogenetic location: 19q13.32.
Variant type: single nucleotide variant.
Coding change: c.394G>C on transcript NM_024301.5 (MANE Select); coding-DNA position 394, G replaced by C.
Protein change: p.Gly132Arg; replaces glycine 132 with arginine.
Molecular consequence: missense variant.
Genome position (GRCh38, 1-based): chr19:46,755,844, G>C. VCF-style: chr19-46755844-G-C. GRCh37 (hg19) VCF-style: chr19-47259101-G-C.
Other names: c.394G>C, p.Gly132Arg (NM_001039885.3); short protein forms G132R.
Identifiers: ClinVar variation 968453 (VCV000968453.12), dbSNP rs900304726, ClinGen allele CA406495244.